The following is an entry in ClinVar:

ClinVar aggregate classification (germline): Pathogenic (1 of 4 stars; one submission).

Conditions:
Cohen syndrome (COH1). Also called: PEPPER SYNDROME; Cutis verticis gyrata, retinitis pigmentosa, and sensorineural deafness. Identifiers: Orphanet 193, MedGen C0265223, MONDO:0008999, OMIM 216550.

Submission:

Labcorp Genetics (formerly Invitae), Labcorp
Classification: Pathogenic for Cohen syndrome. Last evaluated: 2024-08-17. Review status: criteria provided, single submitter. Criteria: Invitae Variant Classification Sherloc (09022015). Collection method: clinical testing. Allele origin: germline.
Comment: This sequence change creates a premature translational stop signal (p.Gln3198Serfs*8) in the VPS13B gene. It is expected to result in an absent or disrupted protein product. Loss-of-function variants in VPS13B are known to be pathogenic (PMID: 15141358, 16648375, 20461111). This variant is present in population databases (no rsID available, gnomAD 0.007%). This variant has not been reported in the literature in individuals affected with VPS13B-related conditions. For these reasons, this variant has been classified as Pathogenic.

Literature cited by the submitters: PubMed 15141358; PubMed 16648375; PubMed 20461111.

NM_152564.5(VPS13B):c.9517del (p.Gln3173fs)

Gene: VPS13B (vacuolar protein sorting 13 homolog B; plus strand). Cytogenetic location: 8q22.2.
Variant type: Deletion.
Coding change: c.9517del on transcript NM_152564.5 (MANE Select); coding-DNA position 9517, one base deleted (C; older notation c.9517delC).
Protein change: p.Gln3173fs; shifts the reading frame from glutamine 3173.
Molecular consequence: frameshift variant.
Genome position (GRCh38, 1-based): chr8:99,832,555, C deleted. VCF-style (leftmost placement, unchanged base first): chr8-99832554-AC-A. GRCh37 (hg19) VCF-style: chr8-100844782-AC-A.
Other names: c.9592del, p.Gln3198fs (NM_017890.5); short protein forms Q3198fs, Q3173fs.
Identifiers: ClinVar variation 3662694 (VCV003662694.2).